The following is an entry in ClinVar:

ClinVar aggregate classification (germline): Uncertain significance. Review status: criteria provided, multiple submitters, no conflicts (2 of 4 stars). 3 submissions from 3 submitters: Uncertain significance (3). Last evaluated 2025-10-15.

Conditions:
Polycystic kidney disease, adult type (PKD1). Also called: Polycystic Kidney Disease 1, Autosomal Dominant; Polycystic kidney disease 1; Polycystic kidney disease 1, severe; POLYCYSTIC KIDNEY DISEASE 1 WITH OR WITHOUT POLYCYSTIC LIVER DISEASE; POLYCYSTIC KIDNEY DISEASE, ADULT, TYPE I; Polycystic Kidney, Autosomal Dominant. Identifiers: MedGen C3149841, MONDO:0008263, OMIM 173900.

Submissions (3):

Women's Health and Genetics/Laboratory Corporation of America, LabCorp
Classification: Uncertain significance. Last evaluated: 2025-10-15. Review status: criteria provided, single submitter. Criteria: LabCorp Variant Classification Summary - May 2015. Collection method: clinical testing. Allele origin: germline.
Comment: Variant summary: PKD1 c.8809G>A (p.Glu2937Lys) results in a conservative amino acid change in the encoded protein sequence. Algorithms developed to predict the effect of missense changes on protein structure and function are either unavailable or do not agree on the potential impact of this missense change. The variant was absent in 244798 control chromosomes (gnomAD). The available data on variant occurrences in the general population are insufficient to allow any conclusion about variant significance. c.8809G>A has been observed in an individual affected with Polycystic Kidney Disease 1 (Watson_2025). These data do not allow any conclusion about variant significance. To our knowledge, no experimental evidence demonstrating an impact on protein function has been reported. The following publication has been ascertained in the context of this evaluation (PMID: 39888183). ClinVar contains an entry for this variant (Variation ID: 1313496). Based on the evidence outlined above, the variant was classified as uncertain significance.

Fulgent Genetics
Classification: Uncertain significance for Polycystic kidney disease, adult type. Last evaluated: 2024-05-30. Review status: criteria provided, single submitter. Criteria: ACMG Guidelines, 2015. Collection method: clinical testing. Allele origin: germline.

GeneDx
Classification: Uncertain significance. Last evaluated: 2020-10-21. Review status: criteria provided, single submitter. Criteria: GeneDx Variant Classification Process June 2021. Collection method: clinical testing. Allele origin: germline. Affected: yes.
Comment: Not observed in large population cohorts (Lek et al., 2016); In silico analysis supports that this missense variant does not alter protein structure/function; Has not been previously published as pathogenic or benign to our knowledge

Literature cited by the submitters: PubMed 39888183 (cited by Women's Health and Genetics/Laboratory Corporation of America, LabCorp).

NM_001009944.3(PKD1):c.8809G>A (p.Glu2937Lys)

Gene: PKD1 (polycystin 1, transient receptor potential channel interacting; minus strand). Cytogenetic location: 16p13.3.
Variant type: single nucleotide variant.
Coding change: c.8809G>A on transcript NM_001009944.3 (MANE Select); coding-DNA position 8809, G replaced by A.
Protein change: p.Glu2937Lys; replaces glutamic acid 2937 with lysine.
Molecular consequence: missense variant.
Genome position (GRCh38, 1-based): chr16:2,102,953, C>T on the plus strand (G>A on the coding strand, the complement: PKD1 is on the minus strand). VCF-style: chr16-2102953-C-T. GRCh37 (hg19) VCF-style: chr16-2152954-C-T.
Other names: c.8809G>A, p.Glu2937Lys (NM_000296.4); short protein forms E2937K.
Identifiers: ClinVar variation 1313496 (VCV001313496.5), dbSNP rs2151752267, ClinGen allele CA394361845.